The following is an entry in ClinVar:

ClinVar aggregate classification (germline): Uncertain significance. Review status: criteria provided, multiple submitters, no conflicts (2 of 4 stars). 2 submissions from 2 submitters: Uncertain significance (2). Last evaluated 2026-01-13.

Conditions:
Autoinflammatory syndrome, familial, Behcet-like 1 (AIFBL1). Also called: Haploinsufficiency of A20. Identifiers: Orphanet 674762, MedGen C4225218, MONDO:0800045, OMIM 616744.

Allele frequency attached by ClinVar (database versions not stated): ExAC 0.00002; gnomAD 0.00001.
gnomAD v4.1: 5 of 1,613,556 alleles (0.00031%); highest among the groups gnomAD compares: African/African-American, 0.0027%; no homozygotes.

Submissions (2):

Labcorp Genetics (formerly Invitae), Labcorp
Classification: Uncertain significance. Last evaluated: 2026-01-13. Review status: criteria provided, single submitter. Criteria: Invitae Variant Classification Sherloc (09022015). Collection method: clinical testing. Allele origin: germline.
Comment: This sequence change replaces aspartic acid, which is acidic and polar, with glycine, which is neutral and non-polar, at codon 259 of the RELA protein (p.Asp259Gly). This variant is present in population databases (rs745468574, gnomAD 0.004%). This variant has not been reported in the literature in individuals affected with RELA-related conditions. ClinVar contains an entry for this variant (Variation ID: 2171742). An algorithm developed to predict the effect of missense changes on protein structure and function (PolyPhen-2) suggests that this variant is likely to be tolerated. In summary, the available evidence is currently insufficient to determine the role of this variant in disease. Therefore, it has been classified as a Variant of Uncertain Significance.

Clinical Genomics Laboratory, Washington University in St. Louis
Classification: Uncertain significance for Autoinflammatory syndrome, familial, Behcet-like 1. Last evaluated: 2025-12-26. Review status: criteria provided, single submitter. Criteria: ACMG Guidelines, 2015. Collection method: clinical testing. Allele origin: germline.
Comment: The RELA c.776A>G (p.Asp259Gly) variant, to our knowledge, has not been reported in the medical literature. This variant has been reported in the ClinVar database as a germline variant of uncertain significance by one submitter. This variant is only observed in 5/1,613,556 alleles in the general population (gnomAD v.4.1.0), indicating it is not a common variant. Computational predictors suggest that the variant does not impact RELA function; however, they indicate that this variant would alter splicing by strengthening a cryptic acceptor site, evidence that correlates with a potential impact on RELA function. Due to limited information, and based on ACMG/AMP guidelines for variant interpretation (Richards S et al., PMID: 25741868), the clinical significance of this variant is uncertain at this time.

NM_021975.4(RELA):c.776A>G (p.Asp259Gly)

Gene: RELA (RELA proto-oncogene, NF-kB subunit; minus strand). Cytogenetic location: 11q13.1.
Variant type: single nucleotide variant.
Coding change: c.776A>G on transcript NM_021975.4 (MANE Select); coding-DNA position 776, A replaced by G.
Protein change: p.Asp259Gly; replaces aspartic acid 259 with glycine.
Molecular consequence: missense variant.
Genome position (GRCh38, 1-based): chr11:65,658,388, T>C on the plus strand (A>G on the coding strand, the complement: RELA is on the minus strand). VCF-style: chr11-65658388-T-C. GRCh37 (hg19) VCF-style: chr11-65425859-T-C.
Other names: c.767A>G, p.Asp256Gly (NM_001145138.2); c.776A>G, p.Asp259Gly (NM_001243984.2, NM_001243985.2); c.809A>G, p.Asp270Gly (NM_001404657.1); c.749A>G, p.Asp250Gly (NM_001404658.1); c.395A>G, p.Asp132Gly (NM_001404661.1); c.683A>G, p.Asp228Gly (NM_001404662.1, NM_001404663.1); short protein forms D270G, D250G, D259G, D132G, D228G, D256G.
Identifiers: ClinVar variation 2171742 (VCV002171742.5), dbSNP rs745468574, ClinGen allele CA6106801.
Genomic context (GRCh38, chr11:65,658,388, plus strand): 5'-TCCCGGTCGGAAGGCCGCCGCAGCTGCATGGAGACACGCACAGGAGCCTGCAGGCTGGGG[T>C]CTGCGTAGGGAGGGGTCCGGAACACAATGGCCACTTGTCGGTGCACATCAGCTTGCGAAA-3'
Protein context (NP_068810.3, residues 249-269): AIVFRTPPYA[Asp259Gly]PSLQAPVRVS